The following is an entry in ClinVar:

NM_022489.4(INF2):c.1733G>A (p.Arg578His)

Gene: INF2 (inverted formin 2; plus strand). Cytogenetic location: 14q32.33.
Variant type: single nucleotide variant.
Coding change: c.1733G>A on transcript NM_022489.4 (MANE Select); coding-DNA position 1733, G replaced by A.
Protein change: p.Arg578His; replaces arginine 578 with histidine.
Molecular consequence: missense variant.
Genome position (GRCh38, 1-based): chr14:104,708,000, G>A. VCF-style: chr14-104708000-G-A. GRCh37 (hg19) VCF-style: chr14-105174337-G-A.
Other names: c.1733G>A, p.Arg578His (NM_001031714.4); short protein forms R578H.
Identifiers: ClinVar variation 1805841 (VCV001805841.3), dbSNP rs374535109, ClinGen allele CA7372628.

ClinVar aggregate classification (germline): Conflicting classifications of pathogenicity. Review status: criteria provided, conflicting classifications (1 of 4 stars). 2 submissions from 2 submitters: Uncertain significance (1); Likely benign (1). Last evaluated 2024-06-03.

Conditions:
Charcot-Marie-Tooth disease dominant intermediate E. Also called: CHARCOT-MARIE-TOOTH NEUROPATHY WITH FOCAL SEGMENTAL GLOMERULONEPHRITIS. Identifiers: Orphanet 93114, MedGen C4302667, MONDO:0013758, OMIM 614455.
Focal segmental glomerulosclerosis 5 (FSGS5). Identifiers: Orphanet 656, MedGen C2750475, MONDO:0013191, OMIM 613237.

Allele frequency attached by ClinVar (database versions not stated): gnomAD 0.00001; gnomAD exomes 0.00001; ExAC 0.00002; TOPMed 0.00002; ESP Exome Variant Server 0.00008.
gnomAD v4.1: 18 of 1,598,064 alleles (0.0011%); highest among the groups gnomAD compares: East Asian, 0.02%; no homozygotes.

Submissions (2):

Labcorp Genetics (formerly Invitae), Labcorp
Classification: Uncertain significance for Charcot-Marie-Tooth disease dominant intermediate E; Focal segmental glomerulosclerosis 5. Last evaluated: 2024-06-03. Review status: criteria provided, single submitter. Criteria: Invitae Variant Classification Sherloc (09022015). Collection method: clinical testing. Allele origin: germline.
Comment: This sequence change replaces arginine, which is basic and polar, with histidine, which is basic and polar, at codon 578 of the INF2 protein (p.Arg578His). This variant is present in population databases (rs374535109, gnomAD 0.03%). This variant has not been reported in the literature in individuals affected with INF2-related conditions. ClinVar contains an entry for this variant (Variation ID: 1805841). Experimental studies and prediction algorithms are not available or were not evaluated, and the functional significance of this variant is currently unknown. In summary, the available evidence is currently insufficient to determine the role of this variant in disease. Therefore, it has been classified as a Variant of Uncertain Significance.

Victorian Clinical Genetics Services, Murdoch Childrens Research Institute
Classification: Likely benign for Charcot-Marie-Tooth disease dominant intermediate E. Last evaluated: 2020-10-19. Review status: criteria provided, single submitter. Criteria: ACMG Guidelines, 2015. Collection method: clinical testing. Allele origin: germline. Inheritance: Autosomal dominant inheritance.
Comment: Based on the classification scheme VCGS_Germline_v1.3.3, this variant is classified as Likely Benign. Following criteria are met: 0104 - Dominant negative is a suggested mechanism of disease in this gene and is associated with both Charcot-Marie-Tooth disease intermediate E with focal segmental glomerulonephritis (MIM#614455) and Glomerulosclerosis, focal segmental, 5 (MIM#613237) (PMID: 30680856). (I) 0107 - This gene is associated with autosomal dominant disease. (I) 0112 - The condition associated with this gene has incomplete penetrance (PMID: 23014460, 32451589). (I) 0115 - Variants in this gene are known to have variable expressivity. In familial cases of CMT+FSGS, some affecteds present with FSGS without CMT. In addition, age of onset also varies (PMID: 32451589). (I) 0200 - Variant is predicted to result in a missense amino acid change from arginine to histidine (I) 0251 - This variant is heterozygous. (I) 0302 - Variant is present in gnomAD (v2) <0.001 for a dominant condition (8 heterozygotes, 0 homozygotes). (SP) 0309 - An alternative amino acid change at the same position has been observed in gnomAD (v3) (163 heterozygotes, 0 homozygotes). (I) 0503 - Missense variant consistently predicted to be tolerated by multiple in silico tools or not conserved in placental mammals with a minor amino acid change. (SB) 0600 - Variant is located in the annotated FH2 domain (PDB, DECIPHER, NCBI). (I) 0709 – Another missense variant comparable to the one identified in this case has strong previous evidence for being benign. p.(Arg578Cys) has been classified as benign by a diagnostic laboratory (ClinVar). (SB) 0807 - This variant has no previous evidence of pathogenicity. (I) 0905 - No published segregation evidence has been identified for this variant. (I) 1007 - No published functional evidence has been identified for this variant. (I) 1208 - Inheritance information for this variant is not currently available in this individual. (I)

Literature cited by the submitters: PubMed 23014460 (cited by Victorian Clinical Genetics Services, Murdoch Childrens Research Institute); PubMed 30680856 (cited by Victorian Clinical Genetics Services, Murdoch Childrens Research Institute); PubMed 32451589 (cited by Victorian Clinical Genetics Services, Murdoch Childrens Research Institute).